The following is an entry in ClinVar:

ClinVar aggregate classification (germline): Likely benign (0 of 4 stars; one submission).

Conditions:
ZFHX4-related disorder. Also called: ZFHX4-related condition.

gnomAD v4.1: 6 of 1,610,230 alleles (0.00037%); highest among the groups gnomAD compares: Non-Finnish European, 0.00025%; no homozygotes.

Submission:

PreventionGenetics, part of Exact Sciences
Classification: Likely benign for ZFHX4-related condition. Last evaluated: 2019-07-01. Review status: no assertion criteria provided. Collection method: clinical testing. Allele origin: germline.
Comment: This variant is classified as likely benign based on ACMG/AMP sequence variant interpretation guidelines (Richards et al. 2015 PMID: 25741868, with internal and published modifications).

NM_024721.5(ZFHX4):c.7944C>G (p.Val2648=)

Gene: ZFHX4 (zinc finger homeobox 4; plus strand). Cytogenetic location: 8q21.13.
Variant type: single nucleotide variant.
Coding change: c.7944C>G on transcript NM_024721.5 (MANE Select); coding-DNA position 7944, C replaced by G.
Protein change: p.Val2648=; no amino-acid change (valine 2648 retained).
Molecular consequence: synonymous variant.
Genome position (GRCh38, 1-based): chr8:76,854,865, C>G. VCF-style: chr8-76854865-C-G. GRCh37 (hg19) VCF-style: chr8-77767101-C-G.
Other names: c.7866C>G, p.Val2622= (NM_001410934.1).
Identifiers: ClinVar variation 3351936 (VCV003351936.1).